The following is an entry in ClinVar:

ClinVar aggregate classification (germline): Uncertain significance (1 of 4 stars; one submission).

Conditions:
Congenital disorder of glycosylation (CDG). Also called: Carbohydrate-deficient glycoprotein syndrome; Congenital disorders of glycosylation. Identifiers: Orphanet 137, MedGen C0282577, MONDO:0015286.

gnomAD v4.1: 63 of 1,614,026 alleles (0.0039%); highest among the groups gnomAD compares: Non-Finnish European, 0.0053%; no homozygotes.

Submission:

Labcorp Genetics (formerly Invitae), Labcorp
Classification: Uncertain significance for Congenital disorder of glycosylation. Last evaluated: 2025-09-20. Review status: criteria provided, single submitter. Criteria: Invitae Variant Classification Sherloc (09022015). Collection method: clinical testing. Allele origin: germline.
Comment: This sequence change replaces alanine, which is neutral and non-polar, with threonine, which is neutral and polar, at codon 13 of the RPN2 protein (p.Ala13Thr). This variant is present in population databases (rs375317516, gnomAD 0.01%). This variant has not been reported in the literature in individuals affected with RPN2-related conditions. An algorithm developed to predict the effect of missense changes on protein structure and function outputs the following: PolyPhen-2: "Benign". The threonine amino acid residue is found in multiple mammalian species, which suggests that this missense change does not adversely affect protein function. In summary, the available evidence is currently insufficient to determine the role of this variant in disease. Therefore, it has been classified as a Variant of Uncertain Significance.

NM_002951.5(RPN2):c.37G>A (p.Ala13Thr)

Gene: RPN2 (ribophorin II; plus strand). Cytogenetic location: 20q11.23.
Variant type: single nucleotide variant.
Coding change: c.37G>A on transcript NM_002951.5 (MANE Select); coding-DNA position 37, G replaced by A.
Protein change: p.Ala13Thr; replaces alanine 13 with threonine.
Molecular consequence: missense variant. On other transcripts: 5 prime UTR variant (1).
Genome position (GRCh38, 1-based): chr20:37,184,203, G>A. VCF-style: chr20-37184203-G-A. GRCh37 (hg19) VCF-style: chr20-35812606-G-A.
Other names: c.37G>A, p.Ala13Thr (NM_001135771.3, NM_001324299.2, NM_001324301.2 and 4 more transcripts); c.-163G>A (NM_001324306.2); short protein forms A13T.
Identifiers: ClinVar variation 4803564 (VCV004803564.1).